The following is an entry in ClinVar:

NM_177438.3(DICER1):c.5609C>T (p.Ala1870Val)

Gene: DICER1 (dicer 1, ribonuclease III; minus strand). Cytogenetic location: 14q32.13.
Variant type: single nucleotide variant.
Coding change: c.5609C>T on transcript NM_177438.3 (MANE Select); coding-DNA position 5609, C replaced by T.
Protein change: p.Ala1870Val; replaces alanine 1870 with valine.
Molecular consequence: missense variant. On other transcripts: synonymous variant (1), non-coding transcript variant (6).
Genome position (GRCh38, 1-based): chr14:95,090,658, G>A on the plus strand (C>T on the coding strand, the complement: DICER1 is on the minus strand). VCF-style: chr14-95090658-G-A. GRCh37 (hg19) VCF-style: chr14-95556995-G-A.
Other names: c.5446C>T, p.Leu1816= (NM_001195573.1); c.5609C>T, p.Ala1870Val (NM_001271282.3, NM_001291628.2, NM_001395677.1 and 7 more transcripts); c.5327C>T, p.Ala1776Val (NM_001395686.1); c.5204C>T, p.Ala1735Val (NM_001395687.1, NM_001395688.1, NM_001395689.1 and 1 more transcripts); c.5042C>T, p.Ala1681Val (NM_001395691.1); c.3926C>T, p.Ala1309Val (NM_001395697.1); short protein forms A1870V, A1776V, A1309V, A1681V, A1735V.
Identifiers: ClinVar variation 4767452 (VCV004767452.1).
Genomic context (GRCh38, chr14:95,090,658, plus strand): 5'-AATTTCCCCTTTCCTACTACTTCCACAGTGACTCTGACCTTCCCGTCGTAAGTTCTCTCA[G>A]CCGGGCTGTAAAAAATCCAAACAGCTTGAATTAGAAGTCAGAAGTATTTATTATCATTGT-3'
Protein context (NP_803187.1, residues 1860-1880): MEPETAKFSP[Ala1870Val]ERTYDGKVRV

ClinVar aggregate classification (germline): Uncertain significance (1 of 4 stars; one submission).

Conditions:
DICER1-related tumor predisposition. Also called: DICER1-related pleuropulmonary blastoma cancer predisposition syndrome; DICER1 syndrome. Identifiers: Orphanet 284343, MedGen C3839822, MONDO:0100216.

Submission:

Labcorp Genetics (formerly Invitae), Labcorp
Classification: Uncertain significance for DICER1-related tumor predisposition. Last evaluated: 2025-10-23. Review status: criteria provided, single submitter. Criteria: Invitae Variant Classification Sherloc (09022015). Collection method: clinical testing. Allele origin: germline.
Comment: This sequence change replaces alanine, which is neutral and non-polar, with valine, which is neutral and non-polar, at codon 1870 of the DICER1 protein (p.Ala1870Val). This variant is not present in population databases (gnomAD no frequency). This variant has not been reported in the literature in individuals affected with DICER1-related conditions. Invitae Evidence Modeling of protein sequence and biophysical properties (such as structural, functional, and spatial information, amino acid conservation, physicochemical variation, residue mobility, and thermodynamic stability) has been performed for this missense variant. However, the output from this modeling did not meet the statistical confidence thresholds required to predict the impact of this variant on DICER1 protein function. In summary, the available evidence is currently insufficient to determine the role of this variant in disease. Therefore, it has been classified as a Variant of Uncertain Significance.